The following is an entry in ClinVar:

NM_001099403.2(PRDM8):c.36T>G (p.Asp12Glu)

Gene: PRDM8 (PR/SET domain 8; plus strand). Cytogenetic location: 4q21.21.
Variant type: single nucleotide variant.
Coding change: c.36T>G on transcript NM_001099403.2 (MANE Select); coding-DNA position 36, T replaced by G.
Protein change: p.Asp12Glu; replaces aspartic acid 12 with glutamic acid.
Molecular consequence: missense variant.
Genome position (GRCh38, 1-based): chr4:80,200,116, T>G. VCF-style: chr4-80200116-T-G. GRCh37 (hg19) VCF-style: chr4-81121270-T-G.
Other names: c.36T>G, p.Asp12Glu (NM_020226.4); c.36T>G (NM_020226.3); short protein forms D12E.
Identifiers: ClinVar variation 1977095 (VCV001977095.4), dbSNP rs774726884, ClinGen allele CA99997898.

ClinVar aggregate classification (germline): Uncertain significance. Review status: criteria provided, multiple submitters, no conflicts (2 of 4 stars). 2 submissions from 2 submitters: Uncertain significance (2). Last evaluated 2023-12-16.

Conditions:
Early-onset Lafora body disease. Also called: Epilepsy, progressive myoclonic, 10. Identifiers: Orphanet 324290, MedGen C4225258, MONDO:0014717, OMIM 616640.

gnomAD v4.1: 12 of 1,613,880 alleles (0.00074%); highest among the groups gnomAD compares: Admixed American, 0.015%; no homozygotes.

Submissions (2):

Ambry Genetics
Classification: Uncertain significance. Last evaluated: 2023-12-16. Review status: criteria provided, single submitter. Criteria: Ambry Variant Classification Scheme 2023. Collection method: clinical testing. Allele origin: germline.

Labcorp Genetics (formerly Invitae), Labcorp
Classification: Uncertain significance for Early-onset Lafora body disease. Last evaluated: 2022-08-23. Review status: criteria provided, single submitter. Criteria: Invitae Variant Classification Sherloc (09022015). Collection method: clinical testing. Allele origin: germline.
Comment: This sequence change replaces aspartic acid, which is acidic and polar, with glutamic acid, which is acidic and polar, at codon 12 of the PRDM8 protein (p.Asp12Glu). This variant is present in population databases (no rsID available, gnomAD 0.0009%). This variant has not been reported in the literature in individuals affected with PRDM8-related conditions. Algorithms developed to predict the effect of missense changes on protein structure and function output the following: SIFT: "Tolerated"; PolyPhen-2: "Benign"; Align-GVGD: "Class C0". The glutamic acid amino acid residue is found in multiple mammalian species, which suggests that this missense change does not adversely affect protein function. In summary, the available evidence is currently insufficient to determine the role of this variant in disease. Therefore, it has been classified as a Variant of Uncertain Significance.